The following is an entry in ClinVar:

NM_144628.4(TBC1D20):c.256+10G>A

Gene: TBC1D20 (TBC1 domain family member 20; minus strand). Cytogenetic location: 20p13.
Variant type: single nucleotide variant.
Coding change: c.256+10G>A on transcript NM_144628.4 (MANE Select); 10 bases into the intron after coding-DNA position 256, G replaced by A.
Molecular consequence: intron variant.
Genome position (GRCh38, 1-based): chr20:447,879, C>T on the plus strand (G>A on the coding strand, the complement: TBC1D20 is on the minus strand). VCF-style: chr20-447879-C-T. GRCh37 (hg19) VCF-style: chr20-428523-C-T.
Other names: p.?.
Identifiers: ClinVar variation 514359 (VCV000514359.17), dbSNP rs188223876, ClinGen allele CA9723690.

ClinVar aggregate classification (germline): Benign/Likely benign. Review status: criteria provided, multiple submitters, no conflicts (2 of 4 stars). 6 submissions from 6 submitters: Benign (1); Likely benign (5). Last evaluated 2025-11-06.

Allele frequency attached by ClinVar (database versions not stated): 1000 Genomes Project 30x 0.00141; TOPMed 0.00156; 1000 Genomes Project 0.00160; ExAC 0.00174; gnomAD 0.00186 and 0.00188; ESP Exome Variant Server 0.00192; gnomAD exomes 0.00202 and 0.00290.
gnomAD v4.1: 4,460 of 1,592,436 alleles (0.28%); highest among the groups gnomAD compares: Non-Finnish European, 0.33%; 4 homozygotes.

Submissions (6):

Labcorp Genetics (formerly Invitae), Labcorp
Classification: Benign. Last evaluated: 2025-11-06. Review status: criteria provided, single submitter. Criteria: Invitae Variant Classification Sherloc (09022015). Collection method: clinical testing. Allele origin: germline.

Mayo Clinic Laboratories, Mayo Clinic
Classification: Likely benign. Last evaluated: 2024-12-31. Review status: criteria provided, single submitter. Criteria: ACMG Guidelines, 2015. Collection method: clinical testing. Allele origin: germline. Observed: 1 variant allele.
Comment: BP4, BP7

Blueprint Genetics
Classification: Likely benign. Last evaluated: 2024-10-25. Review status: criteria provided, single submitter. Criteria: ACMG Guidelines, 2015. Collection method: clinical testing. Allele origin: germline.

Genetic Services Laboratory, University of Chicago
Classification: Likely benign. Last evaluated: 2018-11-14. Review status: criteria provided, single submitter. Criteria: ACMG Guidelines, 2015. Collection method: clinical testing. Allele origin: germline. Affected: no.

GeneDx
Classification: Likely benign. Last evaluated: 2018-01-02. Review status: criteria provided, single submitter. Criteria: GeneDx Variant Classification (06012015). Collection method: clinical testing. Allele origin: germline. Affected: yes.
Comment: This variant is considered likely benign or benign based on one or more of the following criteria: it is a conservative change, it occurs at a poorly conserved position in the protein, it is predicted to be benign by multiple in silico algorithms, and/or has population frequency not consistent with disease.

Breakthrough Genomics
Classification: Likely benign. Review status: criteria provided, single submitter. Criteria: ACMG Guidelines, 2015. Collection method: not provided. Allele origin: germline. Inheritance: Autosomal recessive inheritance. Affected: yes.